The following is an entry in ClinVar:

NM_001384474.1(LOXHD1):c.2695C>T (p.Arg899Trp)

Gene: LOXHD1 (lipoxygenase homology PLAT domains 1; minus strand). Cytogenetic location: 18q21.1.
Variant type: single nucleotide variant.
Coding change: c.2695C>T on transcript NM_001384474.1 (MANE Select); coding-DNA position 2695, C replaced by T.
Protein change: p.Arg899Trp; replaces arginine 899 with tryptophan.
Molecular consequence: missense variant.
Genome position (GRCh38, 1-based): chr18:46,560,449, G>A on the plus strand (C>T on the coding strand, the complement: LOXHD1 is on the minus strand). VCF-style: chr18-46560449-G-A. GRCh37 (hg19) VCF-style: chr18-44140412-G-A.
Other names: c.2695C>T (NM_144612.6); c.2695C>T, p.Arg899Trp (NM_144612.7); short protein forms R899W.
Identifiers: ClinVar variation 2147772 (VCV002147772.4), dbSNP rs769584753, ClinGen allele CA299794551.

ClinVar aggregate classification (germline): Uncertain significance. Review status: criteria provided, multiple submitters, no conflicts (2 of 4 stars). 4 submissions from 4 submitters: Uncertain significance (4). Last evaluated 2025-12-29.

Conditions:
LOXHD1-related disorder. Also called: LOXHD1-related condition.

Allele frequency attached by ClinVar (database versions not stated): gnomAD 0.00003; TOPMed 0.00003.
gnomAD v4.1: 28 of 1,543,308 alleles (0.0018%); highest among the groups gnomAD compares: East Asian, 0.046%; no homozygotes.

Submissions (4):

PreventionGenetics, part of Exact Sciences
Classification: Uncertain significance for LOXHD1-related condition. Last evaluated: 2025-12-29. Review status: criteria provided, single submitter. Criteria: ACMG Guidelines, 2015. Collection method: clinical testing. Allele origin: germline.
Comment: The LOXHD1 c.2695C>T variant is predicted to result in the amino acid substitution p.Arg899Trp. To our knowledge, this variant has not been reported in the literature. This variant is reported in 0.047% of alleles in individuals of East Asian descent in gnomAD. At this time, the clinical significance of this variant is uncertain due to the absence of conclusive functional and genetic evidence.

GeneDx
Classification: Uncertain significance. Last evaluated: 2025-05-21. Review status: criteria provided, single submitter. Criteria: GeneDx Variant Classification Process June 2021. Collection method: clinical testing. Allele origin: germline. Affected: yes.
Comment: In silico analysis supports that this missense variant has a deleterious effect on protein structure/function; Has not been previously published as pathogenic or benign to our knowledge

Women's Health and Genetics/Laboratory Corporation of America, LabCorp
Classification: Uncertain significance. Last evaluated: 2023-03-15. Review status: criteria provided, single submitter. Criteria: LabCorp Variant Classification Summary - May 2015. Collection method: clinical testing. Allele origin: germline.
Comment: Variant summary: LOXHD1 c.2695C>T (p.Arg899Trp) results in a non-conservative amino acid change in the encoded protein sequence. Four of five in-silico tools predict a damaging effect of the variant on protein function. The variant allele was found at a frequency of 4e-05 in 150248 control chromosomes. The available data on variant occurrences in the general population are insufficient to allow any conclusion about variant significance. To our knowledge, no occurrence of c.2695C>T in individuals affected with Nonsyndromic Hearing Loss And Deafness, Type 77 and no experimental evidence demonstrating its impact on protein function have been reported. One clinical diagnostic laboratory has submitted clinical-significance assessments for this variant to ClinVar after 2014. One laboratory classified the variant as uncertain significance. Based on the evidence outlined above, the variant was classified as uncertain significance.

Labcorp Genetics (formerly Invitae), Labcorp
Classification: Uncertain significance. Last evaluated: 2022-07-26. Review status: criteria provided, single submitter. Criteria: Invitae Variant Classification Sherloc (09022015). Collection method: clinical testing. Allele origin: germline.
Comment: This sequence change replaces arginine, which is basic and polar, with tryptophan, which is neutral and slightly polar, at codon 899 of the LOXHD1 protein (p.Arg899Trp). This variant is present in population databases (no rsID available, gnomAD 0.05%). This variant has not been reported in the literature in individuals affected with LOXHD1-related conditions. Algorithms developed to predict the effect of missense changes on protein structure and function are either unavailable or do not agree on the potential impact of this missense change (SIFT: "Deleterious"; PolyPhen-2: "Benign"; Align-GVGD: "Class C0"). This variant disrupts the p.Arg899 amino acid residue in LOXHD1. Other variant(s) that disrupt this residue have been determined to be pathogenic (PMID: 26969326, 29676012, 32860223; Invitae). This suggests that this residue is clinically significant, and that variants that disrupt this residue are likely to be disease-causing. In summary, the available evidence is currently insufficient to determine the role of this variant in disease. Therefore, it has been classified as a Variant of Uncertain Significance.

Literature cited by the submitters: PubMed 26969326 (cited by Labcorp Genetics (formerly Invitae), Labcorp); PubMed 29676012 (cited by Labcorp Genetics (formerly Invitae), Labcorp); PubMed 32860223 (cited by Labcorp Genetics (formerly Invitae), Labcorp).